The following is an entry in ClinVar:

NM_024757.5(EHMT1):c.3498C>A (p.Asp1166Glu)

Gene: EHMT1 (euchromatic histone lysine methyltransferase 1; plus strand). Cytogenetic location: 9q34.3.
Variant type: single nucleotide variant.
Coding change: c.3498C>A on transcript NM_024757.5 (MANE Select); coding-DNA position 3498, C replaced by A.
Protein change: p.Asp1166Glu; replaces aspartic acid 1166 with glutamic acid.
Molecular consequence: missense variant.
Genome position (GRCh38, 1-based): chr9:137,818,096, C>A. VCF-style: chr9-137818096-C-A. GRCh37 (hg19) VCF-style: chr9-140712548-C-A.
Other names: c.3477C>A, p.Asp1159Glu (NM_001354263.2); short protein forms D1166E, D1159E.
Identifiers: ClinVar variation 1517099 (VCV001517099.6), dbSNP rs374902198, ClinGen allele CA375773585.

ClinVar aggregate classification (germline): Uncertain significance (1 of 4 stars; one submission).

Conditions:
Kleefstra syndrome 1 (KLEFS1). Identifiers: Orphanet 261494, MedGen C0795833, MONDO:0027407, OMIM 610253.

gnomAD v4.1: 1 of 1,614,162 alleles (0.000062%); highest among the groups gnomAD compares: Non-Finnish European, 0.000085%; no homozygotes.

Submission:

Labcorp Genetics (formerly Invitae), Labcorp
Classification: Uncertain significance for Kleefstra syndrome 1. Last evaluated: 2022-08-09. Review status: criteria provided, single submitter. Criteria: Invitae Variant Classification Sherloc (09022015). Collection method: clinical testing. Allele origin: germline.
Comment: In summary, the available evidence is currently insufficient to determine the role of this variant in disease. Therefore, it has been classified as a Variant of Uncertain Significance. Algorithms developed to predict the effect of missense changes on protein structure and function are either unavailable or do not agree on the potential impact of this missense change (SIFT: "Tolerated"; PolyPhen-2: "Possibly Damaging"; Align-GVGD: "Class C0"). ClinVar contains an entry for this variant (Variation ID: 1517099). This variant has not been reported in the literature in individuals affected with EHMT1-related conditions. This variant is not present in population databases (gnomAD no frequency). This sequence change replaces aspartic acid, which is acidic and polar, with glutamic acid, which is acidic and polar, at codon 1166 of the EHMT1 protein (p.Asp1166Glu).